The following is an entry in ClinVar:

ClinVar aggregate classification (germline): Uncertain significance (1 of 4 stars; one submission).

Allele frequency attached by ClinVar (database versions not stated): gnomAD exomes below 0.00001; TOPMed below 0.00001; gnomAD 0.00001.

Submission:

Labcorp Genetics (formerly Invitae), Labcorp
Classification: Uncertain significance. Last evaluated: 2022-02-10. Review status: criteria provided, single submitter. Criteria: Invitae Variant Classification Sherloc (09022015). Collection method: clinical testing. Allele origin: germline.
Comment: This variant has not been reported in the literature in individuals affected with DHX38-related conditions. Algorithms developed to predict the effect of missense changes on protein structure and function are either unavailable or do not agree on the potential impact of this missense change (SIFT: "Deleterious"; PolyPhen-2: "Benign"; Align-GVGD: "Class C0"). In summary, the available evidence is currently insufficient to determine the role of this variant in disease. Therefore, it has been classified as a Variant of Uncertain Significance. This variant is present in population databases (no rsID available, gnomAD 0.0009%). This sequence change replaces glutamic acid, which is acidic and polar, with valine, which is neutral and non-polar, at codon 1211 of the DHX38 protein (p.Glu1211Val).

NM_014003.4(DHX38):c.3632A>T (p.Glu1211Val)

Gene: DHX38 (DEAH-box helicase 38; plus strand). Cytogenetic location: 16q22.2.
Variant type: single nucleotide variant.
Coding change: c.3632A>T on transcript NM_014003.4 (MANE Select); coding-DNA position 3632, A replaced by T.
Protein change: p.Glu1211Val; replaces glutamic acid 1211 with valine.
Molecular consequence: missense variant.
Genome position (GRCh38, 1-based): chr16:72,112,445, A>T. VCF-style: chr16-72112445-A-T. GRCh37 (hg19) VCF-style: chr16-72146344-A-T.
Other names: short protein forms E1211V.
Identifiers: ClinVar variation 1501536 (VCV001501536.8), dbSNP rs1461707208, ClinGen allele CA396719255.